The following is an entry in ClinVar:

ClinVar aggregate classification (germline): Uncertain significance (1 of 4 stars; one submission).

Conditions:
Epilepsy, familial adult myoclonic, 5 (EPEO5). Also called: CORTICAL MYOCLONIC TREMOR WITH EPILEPSY, FAMILIAL, 5. Identifiers: Orphanet 86814, MedGen C3809374, MONDO:0014167, OMIM 615400.

Allele frequency attached by ClinVar (database versions not stated): gnomAD 0.00001; gnomAD exomes 0.00001; TOPMed 0.00001.
gnomAD v4.1: 22 of 1,614,058 alleles (0.0014%); highest among the groups gnomAD compares: African/African-American, 0.004%; no homozygotes.

Submission:

Labcorp Genetics (formerly Invitae), Labcorp
Classification: Uncertain significance for Epilepsy, familial adult myoclonic, 5. Last evaluated: 2019-05-02. Review status: criteria provided, single submitter. Criteria: Invitae Variant Classification Sherloc (09022015). Collection method: clinical testing. Allele origin: germline.
Comment: In summary, the available evidence is currently insufficient to determine the role of this variant in disease. Therefore, it has been classified as a Variant of Uncertain Significance. Algorithms developed to predict the effect of missense changes on protein structure and function (SIFT, PolyPhen-2, Align-GVGD) all suggest that this variant is likely to be disruptive, but these predictions have not been confirmed by published functional studies and their clinical significance is uncertain. This variant has not been reported in the literature in individuals with CNTN2-related conditions. This variant is not present in population databases (ExAC no frequency). This sequence change replaces arginine with histidine at codon 182 of the CNTN2 protein (p.Arg182His). The arginine residue is highly conserved and there is a small physicochemical difference between arginine and histidine.

NM_005076.5(CNTN2):c.545G>A (p.Arg182His)

Gene: CNTN2 (contactin 2; plus strand). Cytogenetic location: 1q32.1.
Variant type: single nucleotide variant.
Coding change: c.545G>A on transcript NM_005076.5 (MANE Select); coding-DNA position 545, G replaced by A.
Protein change: p.Arg182His; replaces arginine 182 with histidine.
Molecular consequence: missense variant. On other transcripts: non-coding transcript variant (1).
Genome position (GRCh38, 1-based): chr1:205,059,141, G>A. VCF-style: chr1-205059141-G-A. GRCh37 (hg19) VCF-style: chr1-205028269-G-A.
Other names: c.545G>A, p.Arg182His (NM_001346083.2); short protein forms R182H.
Identifiers: ClinVar variation 855428 (VCV000855428.9), dbSNP rs771397976, ClinGen allele CA36429120.